The following is an entry in ClinVar:

NM_015450.3(POT1):c.286A>T (p.Ile96Phe)

Gene: POT1 (protection of telomeres 1; minus strand). Cytogenetic location: 7q31.33.
Variant type: single nucleotide variant.
Coding change: c.286A>T on transcript NM_015450.3 (MANE Select); coding-DNA position 286, A replaced by T.
Protein change: p.Ile96Phe; replaces isoleucine 96 with phenylalanine.
Molecular consequence: missense variant. On other transcripts: 5 prime UTR variant (1), non-coding transcript variant (3).
Genome position (GRCh38, 1-based): chr7:124,863,610, T>A on the plus strand (A>T on the coding strand, the complement: POT1 is on the minus strand). VCF-style: chr7-124863610-T-A. GRCh37 (hg19) VCF-style: chr7-124503664-T-A.
Other names: c.-108A>T (NM_001042594.2); short protein forms I96F.
Identifiers: ClinVar variation 1797030 (VCV001797030.2), dbSNP rs778571153, ClinGen allele CA369060400.
Genomic context (GRCh38, chr7:124,863,610, plus strand): 5'-GTATGATAGGGGCTCCCAAAGTTCCCTCAAACGTCAAAGATGCAAAGCCAGAGCTGGTGA[T>A]ACCCTGAGTCTCCTTTTTATATACTTGAATCTAAGAAAGTAGGGCAAAGTAGAAAACAGA-3'
Protein context (NP_056265.2, residues 86-106): IQVYKKETQG[Ile96Phe]TSSGFASLTF

ClinVar aggregate classification (germline): Uncertain significance (1 of 4 stars; one submission).

Conditions:
Hereditary cancer-predisposing syndrome. Also called: Tumor predisposition; Hereditary Cancer Syndrome; Neoplastic Syndromes, Hereditary; Hereditary neoplastic syndrome. Identifiers: Orphanet 140162, MedGen C0027672, MeSH D009386, MONDO:0015356.

Submission:

Ambry Genetics
Classification: Uncertain significance for Hereditary cancer-predisposing syndrome. Last evaluated: 2019-12-05. Review status: criteria provided, single submitter. Criteria: Ambry Variant Classification Scheme 2023. Collection method: clinical testing. Allele origin: germline.
Comment: The p.I96F variant (also known as c.286A>T), located in coding exon 4 of the POT1 gene, results from an A to T substitution at nucleotide position 286. The isoleucine at codon 96 is replaced by phenylalanine, an amino acid with highly similar properties. This amino acid position is well conserved in available vertebrate species. In addition, this alteration is predicted to be tolerated by in silico analysis. Since supporting evidence is limited at this time, the clinical significance of this alteration remains unclear.